The following is an entry in ClinVar:

ClinVar aggregate classification (germline): Uncertain significance. Review status: criteria provided, multiple submitters, no conflicts (2 of 4 stars). 3 submissions from 3 submitters: Uncertain significance (3). Last evaluated 2024-12-16.

Conditions:
Inborn genetic diseases. Identifiers: MedGen C0950123, MeSH D030342.

Allele frequency attached by ClinVar (database versions not stated): gnomAD 0.00001; gnomAD exomes 0.00001; TOPMed 0.00004.
gnomAD v4.1: 7 of 1,209,940 alleles (0.00058%); highest among the groups gnomAD compares: Non-Finnish European, 0.00078%; no homozygotes.

Submissions (3):

Ambry Genetics
Classification: Uncertain significance for Inborn genetic diseases. Last evaluated: 2024-12-16. Review status: criteria provided, single submitter. Criteria: Ambry Variant Classification Scheme 2023. Collection method: clinical testing. Allele origin: germline.

Labcorp Genetics (formerly Invitae), Labcorp
Classification: Uncertain significance. Last evaluated: 2023-11-15. Review status: criteria provided, single submitter. Criteria: Invitae Variant Classification Sherloc (09022015). Collection method: clinical testing. Allele origin: germline.
Comment: This sequence change replaces serine, which is neutral and polar, with glycine, which is neutral and non-polar, at codon 204 of the TAF1 protein (p.Ser204Gly). This variant is present in population databases (no rsID available, gnomAD 0.001%). This variant has not been reported in the literature in individuals affected with TAF1-related conditions. ClinVar contains an entry for this variant (Variation ID: 2436934). An algorithm developed to predict the effect of missense changes on protein structure and function (PolyPhen-2) suggests that this variant is likely to be tolerated. In summary, the available evidence is currently insufficient to determine the role of this variant in disease. Therefore, it has been classified as a Variant of Uncertain Significance.

Revvity Omics, Revvity
Classification: Uncertain significance. Last evaluated: 2021-05-08. Review status: criteria provided, single submitter. Criteria: ACMG Guidelines, 2015. Collection method: clinical testing. Allele origin: germline.

NM_004606.5(TAF1):c.550A>G (p.Ser184Gly)

Gene: TAF1 (TATA-box binding protein associated factor 1; plus strand). Cytogenetic location: Xq13.1.
Variant type: single nucleotide variant.
Coding change: c.550A>G on transcript NM_004606.5 (MANE Select); coding-DNA position 550, A replaced by G.
Protein change: p.Ser184Gly; replaces serine 184 with glycine.
Molecular consequence: missense variant. On other transcripts: non-coding transcript variant (9).
Genome position (GRCh38, 1-based): chrX:71,377,027, A>G. VCF-style: chrX-71377027-A-G. GRCh37 (hg19) VCF-style: chrX-70596877-A-G.
Other names: c.610A>G (NM_004606.3); c.550A>G, p.Ser184Gly (NM_001286074.2); c.487A>G, p.Ser163Gly (NM_138923.4); short protein forms S163G, S184G.
Identifiers: ClinVar variation 2436934 (VCV002436934.7), dbSNP rs1051551145, ClinGen allele CA331007687.